The following is an entry in ClinVar:

NC_000008.10:g.(?_27326832)_(27328595_?)del

Gene: CHRNA2 (cholinergic receptor nicotinic alpha 2 subunit; minus strand). Cytogenetic location: 8p21.2.
Variant type: Deletion.
Identifiers: ClinVar variation 1064034 (VCV001064034.5).

ClinVar aggregate classification (germline): Uncertain significance (1 of 4 stars; one submission).

Conditions:
Familial sleep-related hypermotor epilepsy. Also called: Autosomal Dominant Sleep-Related Hypermotor (Hyperkinetic) Epilepsy. Identifiers: Orphanet 98784, MedGen C3696898, MONDO:0000030.

Submission:

Labcorp Genetics (formerly Invitae), Labcorp
Classification: Uncertain significance. Last evaluated: 2020-02-29. Review status: criteria provided, single submitter. Criteria: Invitae Variant Classification Sherloc (09022015). Collection method: clinical testing. Allele origin: germline.
Comment: In summary, the available evidence is currently insufficient to determine the role of this variant in disease. Therefore, it has been classified as a Variant of Uncertain Significance. The current clinical and genetic evidence is not sufficient to establish whether loss-of-function variants in CHRNA2 cause disease. This variant has not been reported in the literature in individuals with CHRNA2-related conditions. This variant is a gross deletion of the genomic region encompassing exons 2-4 of the CHRNA2 gene, which includes the initiator codon. The 5' end of this event is unknown as it extends beyond the assayed region for this gene and therefore may encompass additional genes. The 3' boundary is likely confined to intron 4 of the CHRNA2 gene. This is expected to result in an absent or disrupted protein product.